The following is an entry in ClinVar:

NM_015466.4(PTPN23):c.2276C>T (p.Pro759Leu)

Gene: PTPN23 (protein tyrosine phosphatase non-receptor type 23; plus strand). Cytogenetic location: 3p21.31.
Variant type: single nucleotide variant.
Coding change: c.2276C>T on transcript NM_015466.4 (MANE Select); coding-DNA position 2276, C replaced by T.
Protein change: p.Pro759Leu; replaces proline 759 with leucine.
Molecular consequence: missense variant.
Genome position (GRCh38, 1-based): chr3:47,410,074, C>T. VCF-style: chr3-47410074-C-T. GRCh37 (hg19) VCF-style: chr3-47451564-C-T.
Other names: c.1898C>T, p.Pro633Leu (NM_001304482.2); short protein forms P633L, P759L.
Identifiers: ClinVar variation 1370190 (VCV001370190.8), dbSNP rs140031403, ClinGen allele CA352557971.

ClinVar aggregate classification (germline): Uncertain significance (1 of 4 stars; one submission).

gnomAD v4.1: 3 of 1,611,762 alleles (0.00019%); highest among the groups gnomAD compares: East Asian, 0.0022%; no homozygotes.

Submission:

Labcorp Genetics (formerly Invitae), Labcorp
Classification: Uncertain significance. Last evaluated: 2021-07-26. Review status: criteria provided, single submitter. Criteria: Invitae Variant Classification Sherloc (09022015). Collection method: clinical testing. Allele origin: germline.
Comment: Algorithms developed to predict the effect of missense changes on protein structure and function are either unavailable or do not agree on the potential impact of this missense change (SIFT: "Tolerated"; PolyPhen-2: "Not Available"; Align-GVGD: "Class C0"). In summary, the available evidence is currently insufficient to determine the role of this variant in disease. Therefore, it has been classified as a Variant of Uncertain Significance. This variant has not been reported in the literature in individuals affected with PTPN23-related conditions. This variant is not present in population databases (ExAC no frequency). This sequence change replaces proline with leucine at codon 759 of the PTPN23 protein (p.Pro759Leu). The proline residue is moderately conserved and there is a moderate physicochemical difference between proline and leucine.